The following is an entry in ClinVar:

ClinVar aggregate classification (germline): Pathogenic (1 of 4 stars; one submission).

Conditions:
Arrhythmogenic right ventricular dysplasia 8 (ARVD8). Also called: Arrhythmogenic Right Ventricular Dysplasia/Cardiomyopathy 8; ARRHYTHMOGENIC RIGHT VENTRICULAR DYSPLASIA, FAMILIAL, 8; ARRHYTHMOGENIC RIGHT VENTRICULAR CARDIOMYOPATHY 8. Identifiers: MedGen C1843896, MONDO:0011831, OMIM 607450.
Arrhythmogenic cardiomyopathy with wooly hair and keratoderma. Also called: PALMOPLANTAR KERATODERMA WITH LEFT VENTRICULAR CARDIOMYOPATHY AND WOOLLY HAIR; Dilated cardiomyopathy with woolly hair and keratoderma; Arrhythmogenic cardiomyopathy with woolly hair and keratoderma; Carvajal syndrome. Identifiers: Orphanet 65282, MedGen C1854063, MONDO:0011581, OMIM 605676.

Submission:

Labcorp Genetics (formerly Invitae), Labcorp
Classification: Pathogenic for Arrhythmogenic cardiomyopathy with wooly hair and keratoderma; Arrhythmogenic right ventricular dysplasia 8. Last evaluated: 2025-10-27. Review status: criteria provided, single submitter. Criteria: Invitae Variant Classification Sherloc (09022015). Collection method: clinical testing. Allele origin: germline.
Comment: This sequence change creates a premature translational stop signal (p.Arg2752Hisfs*31) in the DSP gene. While this is not anticipated to result in nonsense mediated decay, it is expected to disrupt the last 120 amino acid(s) of the DSP protein. This variant is not present in population databases (gnomAD no frequency). This variant has not been reported in the literature in individuals affected with DSP-related conditions. This variant disrupts a region of the DSP protein in which other variant(s) (p.Gln2765Alafs*23) have been determined to be pathogenic (PMID: 16917092). This suggests that this is a clinically significant region of the protein, and that variants that disrupt it are likely to be disease-causing. For these reasons, this variant has been classified as Pathogenic.

Literature cited by the submitters: PubMed 16917092.

NM_004415.4(DSP):c.8253_8263del (p.Arg2752fs)

Gene: DSP (desmoplakin; plus strand). Cytogenetic location: 6p24.3.
Variant type: Deletion.
Coding change: c.8253_8263del on transcript NM_004415.4 (MANE Select); coding-DNA positions 8253 to 8263, 11 bases deleted (CCGGAAGGGGT).
Protein change: p.Arg2752fs; shifts the reading frame from arginine 2752.
Molecular consequence: frameshift variant.
Genome position (GRCh38, 1-based): chr6:7,585,515-7,585,525, CCGGAAGGGGT deleted; deleting any 11 consecutive bases within chr6:7,585,514-7,585,525 gives the same sequence; the c. name uses the placement nearest the transcript's 3' end. VCF-style (leftmost placement, unchanged base first): chr6-7585513-ATCCGGAAGGGG-A. GRCh37 (hg19) VCF-style: chr6-7585746-ATCCGGAAGGGG-A.
Other names: c.6456_6466del, p.Arg2153fs (NM_001008844.3); c.6924_6934del, p.Arg2309fs (NM_001319034.2); short protein forms R2153fs, R2752fs, R2309fs.
Identifiers: ClinVar variation 4793845 (VCV004793845.1).